The following is an entry in ClinVar:

ClinVar aggregate classification (germline): Uncertain significance. Review status: criteria provided, multiple submitters, no conflicts (2 of 4 stars). 3 submissions from 3 submitters: Uncertain significance (3). Last evaluated 2025-08-29.

Conditions:
Familial cancer of breast. Also called: hereditary breast carcinoma; BREAST CANCER, FAMILIAL; Hereditary breast cancer. Identifiers: Orphanet 227535, MedGen C0346153, MONDO:0016419, OMIM 114480. Disease mechanism: loss of function.
Hereditary cancer-predisposing syndrome. Also called: Tumor predisposition; Hereditary Cancer Syndrome; Hereditary neoplastic syndrome; Neoplastic Syndromes, Hereditary. Identifiers: Orphanet 140162, MedGen C0027672, MeSH D009386, MONDO:0015356.
Hereditary diffuse gastric adenocarcinoma (HDGC). Also called: DIFFUSE GASTRIC AND LOBULAR BREAST CANCER SYNDROME. Identifiers: Orphanet 26106, MedGen C1708349, MONDO:0007648, OMIM 137215.

Allele frequency attached by ClinVar (database versions not stated): gnomAD exomes below 0.00001; gnomAD 0.00001.
gnomAD v4.1: 2 of 1,614,006 alleles (0.00012%); highest among the groups gnomAD compares: African/African-American, 0.0027%; no homozygotes.

Submissions (3):

Labcorp Genetics (formerly Invitae), Labcorp
Classification: Uncertain significance for Hereditary diffuse gastric adenocarcinoma. Last evaluated: 2025-08-29. Review status: criteria provided, single submitter. Criteria: Invitae Variant Classification Sherloc (09022015). Collection method: clinical testing. Allele origin: germline.
Comment: This sequence change replaces asparagine, which is neutral and polar, with aspartic acid, which is acidic and polar, at codon 849 of the CDH1 protein (p.Asn849Asp). This variant is not present in population databases (gnomAD no frequency). This variant has not been reported in the literature in individuals affected with CDH1-related conditions. ClinVar contains an entry for this variant (Variation ID: 234146). An algorithm developed to predict the effect of missense changes on protein structure and function (PolyPhen-2) suggests that this variant is likely to be disruptive. In summary, the available evidence is currently insufficient to determine the role of this variant in disease. Therefore, it has been classified as a Variant of Uncertain Significance.

Ambry Genetics
Classification: Uncertain significance for Hereditary cancer-predisposing syndrome. Last evaluated: 2023-06-28. Review status: criteria provided, single submitter. Criteria: Ambry Variant Classification Scheme 2023. Collection method: clinical testing. Allele origin: germline.
Comment: The p.N849D variant (also known as c.2545A>G), located in coding exon 16 of the CDH1 gene, results from an A to G substitution at nucleotide position 2545. The asparagine at codon 849 is replaced by aspartic acid, an amino acid with highly similar properties. This amino acid position is highly conserved in available vertebrate species. In addition, this alteration is predicted to be tolerated by in silico analysis. Since supporting evidence is limited at this time, the clinical significance of this alteration remains unclear.

Baylor Genetics
Classification: Uncertain significance for Familial cancer of breast. Last evaluated: 2022-03-23. Review status: criteria provided, single submitter. Criteria: ACMG Guidelines, 2015. Collection method: clinical testing. Allele origin: unknown.

NM_004360.5(CDH1):c.2545A>G (p.Asn849Asp)

Gene: CDH1 (cadherin 1; plus strand). Cytogenetic location: 16q22.1.
Variant type: single nucleotide variant.
Coding change: c.2545A>G on transcript NM_004360.5 (MANE Select); coding-DNA position 2545, A replaced by G.
Protein change: p.Asn849Asp; replaces asparagine 849 with aspartic acid.
Molecular consequence: missense variant.
Genome position (GRCh38, 1-based): chr16:68,833,395, A>G. VCF-style: chr16-68833395-A-G. GRCh37 (hg19) VCF-style: chr16-68867298-A-G.
Other names: c.2545A>G (LRG_301t1); c.2362A>G, p.Asn788Asp (NM_001317184.2); c.997A>G, p.Asn333Asp (NM_001317185.2); c.580A>G, p.Asn194Asp (NM_001317186.2); short protein forms N849D, N333D, N788D, N194D.
Identifiers: ClinVar variation 234146 (VCV000234146.13), dbSNP rs876660881, ClinGen allele CA10580165.
Genomic context (GRCh38, chr16:68,833,395, plus strand): 5'-TCTCTGCTCGTGTTTGACTATGAAGGAAGCGGTTCCGAAGCTGCTAGTCTGAGCTCCCTG[A>G]ACTCCTCAGAGTCAGACAAAGACCAGGACTATGACTACTTGAACGAATGGGGCAATCGCT-3'
Protein context (NP_004351.1, residues 839-859): GSEAASLSSL[Asn849Asp]SSESDKDQDY